The following is an entry in ClinVar:

ClinVar aggregate classification (germline): Uncertain significance (1 of 4 stars; one submission).

gnomAD v4.1: 2 of 1,614,166 alleles (0.00012%); highest among the groups gnomAD compares: Non-Finnish European, 0.00017%; no homozygotes.

Submission:

Women's Health and Genetics/Laboratory Corporation of America, LabCorp
Classification: Uncertain significance. Last evaluated: 2024-12-04. Review status: criteria provided, single submitter. Criteria: LabCorp Variant Classification Summary - May 2015. Collection method: clinical testing. Allele origin: germline.
Comment: Variant summary: WBP11 c.1117C>G (p.Gln373Glu) results in a conservative amino acid change in the encoded protein sequence. Three of five in-silico tools predict a benign effect of the variant on protein function. The variant was absent in 251470 control chromosomes. The available data on variant occurrences in the general population are insufficient to allow any conclusion about variant significance. To our knowledge, no occurrence of c.1117C>G in individuals affected with Vertebral, Cardiac, Tracheoesophageal, Renal, And Limb Defects and no experimental evidence demonstrating its impact on protein function have been reported. No submitters have cited clinical-significance assessments for this variant to ClinVar. Based on the evidence outlined above, the variant was classified as uncertain significance.

NM_016312.3(WBP11):c.1117C>G (p.Gln373Glu)

Gene: WBP11 (WW domain binding protein 11; minus strand). Cytogenetic location: 12p12.3.
Variant type: single nucleotide variant.
Coding change: c.1117C>G on transcript NM_016312.3 (MANE Select); coding-DNA position 1117, C replaced by G.
Protein change: p.Gln373Glu; replaces glutamine 373 with glutamic acid.
Molecular consequence: missense variant.
Genome position (GRCh38, 1-based): chr12:14,790,648, G>C on the plus strand (C>G on the coding strand, the complement: WBP11 is on the minus strand). VCF-style: chr12-14790648-G-C. GRCh37 (hg19) VCF-style: chr12-14943582-G-C.
Other names: short protein forms Q373E.
Identifiers: ClinVar variation 3768281 (VCV003768281.1).